The following is an entry in ClinVar:

ClinVar aggregate classification (germline): Likely benign (0 of 4 stars; one submission).

Conditions:
SEMA3A-related disorder. Also called: SEMA3A-related condition.

gnomAD v4.1: 2 of 1,609,896 alleles (0.00012%); highest among the groups gnomAD compares: Non-Finnish European, 0.00017%; no homozygotes.

Submission:

PreventionGenetics, part of Exact Sciences
Classification: Likely benign for SEMA3A-related condition. Last evaluated: 2023-08-04. Review status: no assertion criteria provided. Collection method: clinical testing. Allele origin: germline.
Comment: This variant is classified as likely benign based on ACMG/AMP sequence variant interpretation guidelines (Richards et al. 2015 PMID: 25741868, with internal and published modifications).

NM_006080.3(SEMA3A):c.1101G>A (p.Val367=)

Gene: SEMA3A (semaphorin 3A; minus strand). Cytogenetic location: 7q21.11.
Variant type: single nucleotide variant.
Coding change: c.1101G>A on transcript NM_006080.3 (MANE Select); coding-DNA position 1101, G replaced by A.
Protein change: p.Val367=; no amino-acid change (valine 367 retained).
Molecular consequence: synonymous variant.
Genome position (GRCh38, 1-based): chr7:84,007,392, C>T on the plus strand (G>A on the coding strand, the complement: SEMA3A is on the minus strand). VCF-style: chr7-84007392-C-T. GRCh37 (hg19) VCF-style: chr7-83636708-C-T.
Identifiers: ClinVar variation 3350140 (VCV003350140.1).